The following is an entry in ClinVar:

NM_006793.5(PRDX3):c.387T>C (p.Val129=)

Gene: PRDX3 (peroxiredoxin 3; minus strand). Cytogenetic location: 10q26.11.
Variant type: single nucleotide variant.
Coding change: c.387T>C on transcript NM_006793.5 (MANE Select); coding-DNA position 387, T replaced by C.
Protein change: p.Val129=; no amino-acid change (valine 129 retained).
Molecular consequence: synonymous variant. On other transcripts: non-coding transcript variant (3).
Genome position (GRCh38, 1-based): chr10:119,173,797, A>G on the plus strand (T>C on the coding strand, the complement: PRDX3 is on the minus strand). VCF-style: chr10-119173797-A-G. GRCh37 (hg19) VCF-style: chr10-120933309-A-G.
Other names: c.387T>C, p.Val129= (NM_001302272.2).
Identifiers: ClinVar variation 2640877 (VCV002640877.24), dbSNP rs774475347, ClinGen allele CA5714906.

ClinVar aggregate classification (germline): Likely benign (1 of 4 stars; one submission).

Allele frequency attached by ClinVar (database versions not stated): ExAC 0.00002; gnomAD exomes 0.00002; TOPMed 0.00002.
gnomAD v4.1: 30 of 1,612,850 alleles (0.0019%); highest among the groups gnomAD compares: Admixed American, 0.005%; no homozygotes.

Submission:

CeGaT Center for Human Genetics Tuebingen
Classification: Likely benign. Last evaluated: 2023-01-01. Review status: criteria provided, single submitter. Criteria: CeGaT Center For Human Genetics Tuebingen Variant Classification Criteria Version 2. Collection method: clinical testing. Allele origin: germline. Affected: yes. Observed: 1 variant allele.
Comment: PRDX3: BP4, BP7